The following is an entry in ClinVar:

NM_018051.5(DYNC2I1):c.1461-13A>G

Gene: DYNC2I1 (dynein 2 intermediate chain 1; plus strand). Cytogenetic location: 7q36.3.
Variant type: single nucleotide variant.
Coding change: c.1461-13A>G on transcript NM_018051.5 (MANE Select); 13 bases into the intron before coding-DNA position 1461, A replaced by G.
Molecular consequence: intron variant.
Genome position (GRCh38, 1-based): chr7:158,911,537, A>G. VCF-style: chr7-158911537-A-G. GRCh37 (hg19) VCF-style: chr7-158704228-A-G.
Other names: c.1323-13A>G (NM_001350914.2); c.213-13A>G (NM_001350918.2, NM_001350917.2); c.-1-13A>G (NM_001350916.2); c.888-13A>G (NM_001350915.2).
Identifiers: ClinVar variation 1680678 (VCV001680678.5), dbSNP rs749505270, ClinGen allele CA4594652.
Genomic context (GRCh38, chr7:158,911,537, plus strand): 5'-TTCTGTTCTCCCTACACTTCCCCACGTATATTATTCGAGTTAATTTTTGTCTTGTTTCCA[A>G]TTTATTTCAAAGGATGCGAAGTACAAAACTGCTTCGGCTCATTGACTTAGATTTTTCATT-3'

ClinVar aggregate classification (germline): Uncertain significance (1 of 4 stars; one submission).

Conditions:
Short-rib thoracic dysplasia 8 with or without polydactyly (SRTD8). Also called: SHORT-RIB THORACIC DYSPLASIA 8 WITH POLYDACTYLY. Identifiers: Orphanet 93271, MedGen C3809691, MONDO:0014214, OMIM 615503.

Allele frequency attached by ClinVar (database versions not stated): gnomAD 0.00001; gnomAD exomes 0.00001 and 0.00002; ExAC 0.00002; TOPMed 0.00002.
gnomAD v4.1: 15 of 1,608,168 alleles (0.00093%); highest among the groups gnomAD compares: East Asian, 0.0022%; no homozygotes.

Submission:

Labcorp Genetics (formerly Invitae), Labcorp
Classification: Uncertain significance for Short-rib thoracic dysplasia 8 with or without polydactyly. Last evaluated: 2023-12-11. Review status: criteria provided, single submitter. Criteria: Invitae Variant Classification Sherloc (09022015). Collection method: clinical testing. Allele origin: germline.
Comment: This sequence change falls in intron 11 of the WDR60 gene. It does not directly change the encoded amino acid sequence of the WDR60 protein. This variant is present in population databases (rs749505270, gnomAD 0.005%). This variant has not been reported in the literature in individuals affected with WDR60-related conditions. ClinVar contains an entry for this variant (Variation ID: 1680678). Algorithms developed to predict the effect of sequence changes on RNA splicing suggest that this variant may disrupt the consensus splice site. In summary, the available evidence is currently insufficient to determine the role of this variant in disease. Therefore, it has been classified as a Variant of Uncertain Significance.